The following is an entry in ClinVar:

ClinVar aggregate classification (germline): Uncertain significance (1 of 4 stars; one submission).

Conditions:
Combined oxidative phosphorylation defect type 17. Also called: Combined oxidative phosphorylation deficiency 17. Identifiers: Orphanet 369913, MedGen C3809526, MONDO:0014190, OMIM 615440.

gnomAD v4.1: 2 of 1,614,076 alleles (0.00012%); highest among the groups gnomAD compares: African/African-American, 0.0013%; no homozygotes.

Submission:

Labcorp Genetics (formerly Invitae), Labcorp
Classification: Uncertain significance for Combined oxidative phosphorylation defect type 17. Last evaluated: 2025-05-29. Review status: criteria provided, single submitter. Criteria: Invitae Variant Classification Sherloc (09022015). Collection method: clinical testing. Allele origin: germline.
Comment: This sequence change replaces methionine, which is neutral and non-polar, with valine, which is neutral and non-polar, at codon 750 of the ELAC2 protein (p.Met750Val). This variant is present in population databases (rs773171502, gnomAD 0.004%). This variant has not been reported in the literature in individuals affected with ELAC2-related conditions. Invitae Evidence Modeling of protein sequence and biophysical properties (such as structural, functional, and spatial information, amino acid conservation, physicochemical variation, residue mobility, and thermodynamic stability) indicates that this missense variant is expected to disrupt ELAC2 protein function with a positive predictive value of 80%. In summary, the available evidence is currently insufficient to determine the role of this variant in disease. Therefore, it has been classified as a Variant of Uncertain Significance.

NM_018127.7(ELAC2):c.2248A>G (p.Met750Val)

Gene: ELAC2 (elaC ribonuclease Z 2; minus strand). Cytogenetic location: 17p12.
Variant type: single nucleotide variant.
Coding change: c.2248A>G on transcript NM_018127.7 (MANE Select); coding-DNA position 2248, A replaced by G.
Protein change: p.Met750Val; replaces methionine 750 with valine.
Molecular consequence: missense variant.
Genome position (GRCh38, 1-based): chr17:12,993,692, T>C on the plus strand (A>G on the coding strand, the complement: ELAC2 is on the minus strand). VCF-style: chr17-12993692-T-C. GRCh37 (hg19) VCF-style: chr17-12897009-T-C.
Other names: c.2128A>G, p.Met710Val (NM_001165962.2); c.2245A>G, p.Met749Val (NM_173717.2); short protein forms M710V, M749V, M750V.
Identifiers: ClinVar variation 4806475 (VCV004806475.1).
Genomic context (GRCh38, chr17:12,993,692, plus strand): 5'-GAGTCCTGTCTCCCTGCCCCGTCCCCGCCCTGTGCTGTCCGTGTGACATACAGACCTTCA[T>C]GTGGTCAAAGGCAACTCCCACTTTCTCGCTGAAGTTGGGGCTGAAGAGGGGGACCTTGGC-3'
Protein context (NP_060597.4, residues 740-760): SEKVGVAFDH[Met750Val]KVCFGDFPTM